The following is an entry in ClinVar:

NM_001184880.2(PCDH19):c.1410del (p.Tyr471fs)

Gene: PCDH19 (protocadherin 19; minus strand). Cytogenetic location: Xq22.1.
Variant type: Deletion.
Coding change: c.1410del on transcript NM_001184880.2 (MANE Select); coding-DNA position 1410, one base deleted (C; older notation c.1410delC).
Protein change: p.Tyr471fs; shifts the reading frame from tyrosine 471.
Molecular consequence: frameshift variant.
Genome position (GRCh38, 1-based): chrX:100,407,188, G deleted on the plus strand (C on the coding strand, the reverse complement: PCDH19 is on the minus strand); the first of 2 consecutive G bases (chrX:100,407,188-100,407,189); deleting either gives the same sequence. VCF-style (leftmost placement, unchanged base first): chrX-100407187-AG-A. GRCh37 (hg19) VCF-style: chrX-99662185-AG-A.
Other names: c.1410del, p.Tyr471fs (NM_001105243.2, NM_020766.3); short protein forms Y471fs.
Identifiers: ClinVar variation 951388 (VCV000951388.3), dbSNP rs1928388987, ClinGen allele CA1139667041.
Genomic context (GRCh38, chrX:100,407,187, plus strand): 5'-GGTAGGAGACACTGCCGTTGAGACCCAGGTCGGGGTCGCGAGCAGACACAGAGAGCAGAT[AG>A]GCGCCAGGCGTGTTGTTCTCCTGCACAATGACCTGGTAGTAGGGCTTGGAAAAGTGCGGG-3'

ClinVar aggregate classification (germline): Pathogenic (1 of 4 stars; one submission).

Conditions:
Developmental and epileptic encephalopathy, 9 (DEE9). Also called: Early infantile epileptic encephalopathy 9; PCDH19-Related X-Linked Female-Limited Epilepsy with Mental Retardation; EPILEPSY, FEMALE-RESTRICTED, WITH MENTAL RETARDATION; JUBERG-HELLMAN SYNDROME. Identifiers: Orphanet 101039, Orphanet 2076, MedGen C1848137, MONDO:0010246, OMIM 300088. Disease mechanism: loss of function.

Submission:

Labcorp Genetics (formerly Invitae), Labcorp
Classification: Pathogenic for Developmental and epileptic encephalopathy, 9. Last evaluated: 2019-06-17. Review status: criteria provided, single submitter. Criteria: Invitae Variant Classification Sherloc (09022015). Collection method: clinical testing. Allele origin: germline.
Comment: This sequence change creates a premature translational stop signal (p.Tyr471Ilefs*98) in the PCDH19 gene. It is expected to result in an absent or disrupted protein product. This variant is not present in population databases (ExAC no frequency). This variant has not been reported in the literature in individuals with PCDH19-related conditions. Loss-of-function variants in PCDH19 are known to be pathogenic (PMID: 21053371). For these reasons, this variant has been classified as Pathogenic.

Literature cited by the submitters: PubMed 21053371.